The following is an entry in ClinVar:

NM_020433.5(JPH2):c.483G>A (p.Thr161=)

Gene: JPH2 (junctophilin 2; minus strand). Cytogenetic location: 20q13.12.
Variant type: single nucleotide variant.
Coding change: c.483G>A on transcript NM_020433.5 (MANE Select); coding-DNA position 483, G replaced by A.
Protein change: p.Thr161=; no amino-acid change (threonine 161 retained).
Molecular consequence: synonymous variant.
Genome position (GRCh38, 1-based): chr20:44,160,304, C>T on the plus strand (G>A on the coding strand, the complement: JPH2 is on the minus strand). VCF-style: chr20-44160304-C-T. GRCh37 (hg19) VCF-style: chr20-42788944-C-T.
Identifiers: ClinVar variation 264268 (VCV000264268.56), dbSNP rs746384802, ClinGen allele CA9868834.

ClinVar aggregate classification (germline): Benign/Likely benign. Review status: criteria provided, multiple submitters, no conflicts (2 of 4 stars). 9 submissions from 9 submitters: Benign (2); Likely benign (6). 1 of the submissions does not count toward it. Last evaluated 2026-08-01.

Conditions:
JPH2-related disorder. Also called: JPH2-related condition.
Cardiovascular phenotype. Identifiers: MedGen CN230736.
Hypertrophic cardiomyopathy. Also called: HYPERTROPHIC MYOCARDIOPATHY. Identifiers: Orphanet 217569, MedGen C0007194, MeSH D002312, MONDO:0005045, HP:0001639.

Allele frequency attached by ClinVar (database versions not stated): gnomAD exomes 0.00014 and 0.00022; TOPMed 0.00021; gnomAD 0.00023 and 0.00026; ExAC 0.00084.

Submissions (9):

CeGaT Center for Human Genetics Tuebingen
Classification: Likely benign. Last evaluated: 2026-08-01. Review status: criteria provided, single submitter. Criteria: CeGaT Center For Human Genetics Tuebingen Variant Classification Criteria Version 2. Collection method: clinical testing. Allele origin: germline. Affected: yes. Observed: 2 variant alleles.
Comment: JPH2: BP4, BP7

Labcorp Genetics (formerly Invitae), Labcorp
Classification: Benign for Hypertrophic cardiomyopathy. Last evaluated: 2025-10-23. Review status: criteria provided, single submitter. Criteria: Invitae Variant Classification Sherloc (09022015). Collection method: clinical testing. Allele origin: germline.

ARUP Laboratories, Molecular Genetics and Genomics, ARUP Laboratories
Classification: Likely benign. Last evaluated: 2025-06-03. Review status: criteria provided, single submitter. Criteria: ARUP Molecular Germline Variant Investigation Process 2024. Collection method: clinical testing. Allele origin: germline.

Molecular Diagnostic Laboratory for Inherited Cardiovascular Disease, Montreal Heart Institute
Classification: Likely benign. Last evaluated: 2025-04-09. Review status: criteria provided, single submitter. Criteria: ACMG Guidelines, 2015. Collection method: clinical testing. Allele origin: germline. Affected: no.

Blueprint Genetics
Classification: Likely benign. Last evaluated: 2024-04-25. Review status: criteria provided, single submitter. Criteria: ACMG Guidelines, 2015. Collection method: clinical testing. Allele origin: germline.

Women's Health and Genetics/Laboratory Corporation of America, LabCorp
Classification: Benign. Last evaluated: 2024-02-12. Review status: criteria provided, single submitter. Criteria: LabCorp Variant Classification Summary - May 2015. Collection method: clinical testing. Allele origin: germline.
Comment: Variant summary: JPH2 c.483G>A alters a non-conserved nucleotide resulting in a synonymous change. Consensus agreement among computation tools predict no significant impact on normal splicing. However, these predictions have yet to be confirmed by functional studies. The variant allele was found at a frequency of 0.00022 in 152954 control chromosomes, predominantly at a frequency of 0.00078 within the South Asian subpopulation in the gnomAD database. The observed variant frequency within South Asian control individuals in the gnomAD database is approximately 30 fold of the estimated maximal expected allele frequency for a pathogenic variant in JPH2 causing Cardiomyopathy phenotype (2.5e-05), strongly suggesting that the variant is a benign polymorphism found primarily in populations of South Asian origin. To our knowledge, no occurrence of c.483G>A in individuals affected with Cardiomyopathy and no experimental evidence demonstrating its impact on protein function have been reported. ClinVar contains an entry for this variant (Variation ID: 264268). Based on the evidence outlined above, the variant was classified as benign.

GeneDx
Classification: Likely benign. Last evaluated: 2020-11-10. Review status: criteria provided, single submitter. Criteria: GeneDx Variant Classification Process June 2021. Collection method: clinical testing. Allele origin: germline. Affected: yes.

Ambry Genetics
Classification: Likely benign for Cardiovascular phenotype. Last evaluated: 2015-09-10. Review status: criteria provided, single submitter. Criteria: Ambry Variant Classification Scheme 2023. Collection method: clinical testing. Allele origin: germline.

PreventionGenetics, part of Exact Sciences
Classification: Likely benign for JPH2-related condition. Last evaluated: 2020-11-15. Review status: no assertion criteria provided. Collection method: clinical testing. Allele origin: germline. Not counted in ClinVar's aggregate classification.
Comment: This variant is classified as likely benign based on ACMG/AMP sequence variant interpretation guidelines (Richards et al. 2015 PMID: 25741868, with internal and published modifications).